The following is an entry in ClinVar:

NM_000206.3(IL2RG):c.454G>C (p.Val152Leu)

Gene: IL2RG (interleukin 2 receptor subunit gamma; minus strand). Cytogenetic location: Xq13.1.
Variant type: single nucleotide variant.
Coding change: c.454G>C on transcript NM_000206.3 (MANE Select); coding-DNA position 454, G replaced by C.
Protein change: p.Val152Leu; replaces valine 152 with leucine.
Molecular consequence: missense variant.
Genome position (GRCh38, 1-based): chrX:71,110,504, C>G on the plus strand (G>C on the coding strand, the complement: IL2RG is on the minus strand). VCF-style: chrX-71110504-C-G. GRCh37 (hg19) VCF-style: chrX-70330354-C-G.
Other names: short protein forms V152L.
Identifiers: ClinVar variation 3720949 (VCV003720949.2).

ClinVar aggregate classification (germline): Uncertain significance (1 of 4 stars; one submission).

Conditions:
X-linked severe combined immunodeficiency (SCIDX1). Also called: IMMUNODEFICIENCY 4; SCID, X-LINKED; SEVERE COMBINED IMMUNODEFICIENCY, X-LINKED, T CELL-NEGATIVE, B CELL-POSITIVE, NK CELL-NEGATIVE; X-Linked Combined Immunodeficiency Diseases; T-B+ severe combined immunodeficiency due to gamma chain deficiency. Identifiers: Orphanet 276, MedGen C6022468, MONDO:0010315, OMIM 300400. Disease mechanism: loss of function.

Submission:

Labcorp Genetics (formerly Invitae), Labcorp
Classification: Uncertain significance for X-linked severe combined immunodeficiency. Last evaluated: 2024-11-06. Review status: criteria provided, single submitter. Criteria: Invitae Variant Classification Sherloc (09022015). Collection method: clinical testing. Allele origin: germline.
Comment: This sequence change replaces valine, which is neutral and non-polar, with leucine, which is neutral and non-polar, at codon 152 of the IL2RG protein (p.Val152Leu). This variant also falls at the last nucleotide of exon 3, which is part of the consensus splice site for this exon. This variant is not present in population databases (gnomAD no frequency). This variant has not been reported in the literature in individuals affected with IL2RG-related conditions. Invitae Evidence Modeling of protein sequence and biophysical properties (such as structural, functional, and spatial information, amino acid conservation, physicochemical variation, residue mobility, and thermodynamic stability) indicates that this missense variant is expected to disrupt IL2RG protein function with a positive predictive value of 95%. Variants that disrupt the consensus splice site are a relatively common cause of aberrant splicing (PMID: 17576681, 9536098). Algorithms developed to predict the effect of sequence changes on RNA splicing suggest that this variant may disrupt the consensus splice site. This variant disrupts the p.Ala152 amino acid residue in IL2RG. Other variant(s) that disrupt this residue have been observed in individuals with IL2RG-related conditions (PMID: 31031743, 33628209), which suggests that this may be a clinically significant amino acid residue. In summary, the available evidence is currently insufficient to determine the role of this variant in disease. Therefore, it has been classified as a Variant of Uncertain Significance.

Literature cited by the submitters: PubMed 17576681; PubMed 9536098; PubMed 31031743; PubMed 33628209.